The following is an entry in ClinVar:

ClinVar aggregate classification (germline): Uncertain significance (1 of 4 stars; one submission).

Conditions:
Inborn genetic diseases. Identifiers: MedGen C0950123, MeSH D030342.

Submission:

Ambry Genetics
Classification: Uncertain significance for Inborn genetic diseases. Last evaluated: 2025-04-13. Review status: criteria provided, single submitter. Criteria: Ambry Variant Classification Scheme 2023. Collection method: clinical testing. Allele origin: germline.
Comment: The p.V159G variant (also known as c.476T>G) is located in coding exon 5 of the PAX5 gene. The valine at codon 159 is replaced by glycine, an amino acid with dissimilar properties. This change occurs in the first base pair of coding exon 5. This amino acid position is conserved. In addition, the in silico prediction for this alteration is inconclusive. Based on the available evidence, the clinical significance of this variant remains unclear.

NM_016734.3(PAX5):c.476T>G (p.Val159Gly)

Genes: PAX5 (paired box 5; minus strand), LOC105376032 (uncharacterized LOC105376032; plus strand). Cytogenetic location: 9p13.2.
Variant type: single nucleotide variant.
Coding change: c.476T>G on transcript NM_016734.3 (MANE Select); coding-DNA position 476, T replaced by G.
Protein change: p.Val159Gly; replaces valine 159 with glycine.
Molecular consequence: missense variant. On other transcripts: non-coding transcript variant (4), intron variant (2).
Genome position (GRCh38, 1-based): chr9:37,002,776, A>C on the plus strand (T>G on the coding strand, the complement: PAX5 is on the minus strand). VCF-style: chr9-37002776-A-C. GRCh37 (hg19) VCF-style: chr9-37002773-A-C.
Other names: c.476T>G, p.Val159Gly (NM_001280547.2, NM_001280548.2, NM_001280549.2 and 2 more transcripts); c.152T>G, p.Val51Gly (NM_001280551.2, NM_001280556.2); c.278T>G, p.Val93Gly (NM_001280555.2); c.475+3697T>G (NM_001280553.2, NM_001280554.2); short protein forms V159G, V51G, V93G.
Identifiers: ClinVar variation 3928295 (VCV003928295.1).